The following is an entry in ClinVar:

NM_007194.4(CHEK2):c.1448dup (p.His483fs)

Gene: CHEK2 (checkpoint kinase 2; minus strand). Cytogenetic location: 22q12.1.
Variant type: Duplication.
Coding change: c.1448dup on transcript NM_007194.4 (MANE Select); coding-DNA position 1448, one base duplicated (A; older notation c.1448dupA).
Protein change: p.His483fs; shifts the reading frame from histidine 483.
Molecular consequence: frameshift variant.
Genome position (GRCh38, 1-based): chr22:28,694,045, T duplicated on the plus strand (A on the coding strand, the reverse complement: CHEK2 is on the minus strand). VCF-style (leftmost placement, unchanged base first): chr22-28694044-G-GT. GRCh37 (hg19) VCF-style: chr22-29090032-G-GT.
Other names: c.1577dup, p.His526Glnfs (NM_001005735.3); c.785dup, p.His262Glnfs (NM_001257387.3); c.1247dup, p.His416Glnfs (NM_001349956.3); c.1361dup, p.His454Glnfs (NM_145862.3); short protein forms H262fs, H483fs, H526fs, H416fs, H454fs.
Identifiers: ClinVar variation 2818142 (VCV002818142.3), dbSNP rs2489055874, ClinGen allele CA2739265659.
Genomic context (GRCh38, chr22:28,694,044, plus strand): 5'-CAGGGCTTCCCATGTATTTTATGCTAGCAGGCACTGTCCCACACCCACCTGAAGCCACGG[G>GT]TGTCTTAAGGCTTCTTCTGTCGTAAAACGTGCCTTTGGATCCACTACCAACAACTTCTTG-3'

ClinVar aggregate classification (germline): Pathogenic (1 of 4 stars; one submission).

Conditions:
Familial cancer of breast. Also called: BREAST CANCER, FAMILIAL; hereditary breast carcinoma; Hereditary breast cancer. Identifiers: Orphanet 227535, MedGen C0346153, MONDO:0016419, OMIM 114480. Disease mechanism: loss of function.

Submission:

Labcorp Genetics (formerly Invitae), Labcorp
Classification: Pathogenic for Familial cancer of breast. Last evaluated: 2022-12-03. Review status: criteria provided, single submitter. Criteria: Invitae Variant Classification Sherloc (09022015). Collection method: clinical testing. Allele origin: germline.
Comment: For these reasons, this variant has been classified as Pathogenic. This variant has not been reported in the literature in individuals affected with CHEK2-related conditions. This variant is not present in population databases (gnomAD no frequency). This sequence change creates a premature translational stop signal (p.His483Glnfs*7) in the CHEK2 gene. It is expected to result in an absent or disrupted protein product. Loss-of-function variants in CHEK2 are known to be pathogenic (PMID: 21876083, 24713400).

Literature cited by the submitters: PubMed 21876083; PubMed 24713400.